The following is an entry in ClinVar:

ClinVar aggregate classification (germline): Uncertain significance (1 of 4 stars; one submission).

Conditions:
Cardiovascular phenotype. Identifiers: MedGen CN230736.

Submission:

Ambry Genetics
Classification: Uncertain significance for Cardiovascular phenotype. Last evaluated: 2025-01-31. Review status: criteria provided, single submitter. Criteria: Ambry Variant Classification Scheme 2023. Collection method: clinical testing. Allele origin: germline.
Comment: The c.2103_2104delGG variant, located in coding exon 7 of the HCN4 gene, results from a deletion of two nucleotides at nucleotide positions 2103 to 2104, causing a translational frameshift with a predicted alternate stop codon (p.R701Sfs*39). This alteration occurs at the 3' terminus of theHCN4 gene, is not expected to trigger nonsense-mediated mRNAdecay, and impacts the last 41% of the protein. This alteration is expected to result in protein truncation. The exact functional effect of this alteration is unknown. In addition, loss of function of HCN4 has not been established as a mechanism of disease. Based on the available evidence, the clinical significance of this alteration remains unclear.

NM_005477.3(HCN4):c.2103_2104del (p.Arg701fs)

Gene: HCN4 (hyperpolarization activated cyclic nucleotide gated potassium channel 4; minus strand). Cytogenetic location: 15q24.1.
Variant type: Deletion.
Coding change: c.2103_2104del on transcript NM_005477.3 (MANE Select); coding-DNA positions 2103 to 2104, 2 bases deleted (GG; older notation c.2103_2104delGG).
Protein change: p.Arg701fs; shifts the reading frame from arginine 701.
Molecular consequence: frameshift variant.
Genome position (GRCh38, 1-based): chr15:73,324,128-73,324,129, CC deleted on the plus strand (GG on the coding strand, the reverse complement: HCN4 is on the minus strand); deleting any 2 consecutive bases within chr15:73,324,128-73,324,130 gives the same sequence; the c. name uses the placement nearest the transcript's 3' end. VCF-style (leftmost placement, unchanged base first): chr15-73324127-GCC-G. GRCh37 (hg19) VCF-style: chr15-73616468-GCC-G.
Other names: short protein forms R701fs.
Identifiers: ClinVar variation 3856988 (VCV003856988.1).